The following is an entry in ClinVar:

ClinVar aggregate classification (germline): Uncertain significance. Review status: criteria provided, multiple submitters, no conflicts (2 of 4 stars). 2 submissions from 2 submitters: Uncertain significance (2). Last evaluated 2025-07-20.

Conditions:
Primary dilated cardiomyopathy (DCM). Also called: Dilated Cardiomyopathy. Identifiers: Orphanet 217604, MedGen C0007193, MeSH D002311, MONDO:0005021, HP:0001644. Inheritance: Various modes of inheritance.

Allele frequency attached by ClinVar (database versions not stated): gnomAD 0.00001; TOPMed 0.00001.
gnomAD v4.1: 1 of 1,614,058 alleles (0.000062%); highest among the groups gnomAD compares: Admixed American, 0.0017%; no homozygotes.

Submissions (2):

Labcorp Genetics (formerly Invitae), Labcorp
Classification: Uncertain significance for Primary dilated cardiomyopathy. Last evaluated: 2025-07-20. Review status: criteria provided, single submitter. Criteria: Invitae Variant Classification Sherloc (09022015). Collection method: clinical testing. Allele origin: germline.
Comment: This sequence change replaces alanine, which is neutral and non-polar, with valine, which is neutral and non-polar, at codon 82 of the FHL2 protein (p.Ala82Val). This variant is not present in population databases (gnomAD no frequency). This variant has not been reported in the literature in individuals affected with FHL2-related conditions. ClinVar contains an entry for this variant (Variation ID: 2396169). Invitae Evidence Modeling of protein sequence and biophysical properties (such as structural, functional, and spatial information, amino acid conservation, physicochemical variation, residue mobility, and thermodynamic stability) indicates that this missense variant is not expected to disrupt FHL2 protein function with a negative predictive value of 80%. In summary, the available evidence is currently insufficient to determine the role of this variant in disease. Therefore, it has been classified as a Variant of Uncertain Significance.

Ambry Genetics
Classification: Uncertain significance. Last evaluated: 2022-12-05. Review status: criteria provided, single submitter. Criteria: Ambry Variant Classification Scheme 2023. Collection method: clinical testing. Allele origin: germline.

NM_001318895.3(FHL2):c.245C>T (p.Ala82Val)

Genes: C2orf49 (chromosome 2 open reading frame 49; plus strand), FHL2 (four and a half LIM domains 2; minus strand). Cytogenetic location: 2q12.2.
Variant type: single nucleotide variant.
Coding change: c.245C>T on transcript NM_001318895.3 (MANE Select); coding-DNA position 245, C replaced by T.
Protein change: p.Ala82Val; replaces alanine 82 with valine.
Molecular consequence: missense variant. On other transcripts: 5 prime UTR variant (1), intron variant (2).
Genome position (GRCh38, 1-based): chr2:105,373,645, G>A on the plus strand (C>T on the coding strand, the complement: FHL2 is on the minus strand). VCF-style: chr2-105373645-G-A. GRCh37 (hg19) VCF-style: chr2-105990102-G-A.
Other names: c.245C>T, p.Ala82Val (NM_001039492.3, NM_001318894.1, NM_001318896.2 and 4 more transcripts); c.-80C>T (NM_001318899.2); c.-11-5906C>T (NM_001318897.2, NM_001318898.2); short protein forms A82V.
Identifiers: ClinVar variation 2396169 (VCV002396169.3), dbSNP rs1681253761, ClinGen allele CA348001885.